The following is an entry in ClinVar:

NM_000256.3(MYBPC3):c.2534_2538del (p.Arg845fs)

Gene: MYBPC3 (myosin binding protein C3; minus strand). Cytogenetic location: 11p11.2.
Variant type: Deletion.
Coding change: c.2534_2538del on transcript NM_000256.3 (MANE Select); coding-DNA positions 2534 to 2538, 5 bases deleted (GCGTC; older notation c.2534_2538delGCGTC).
Protein change: p.Arg845fs; shifts the reading frame from arginine 845.
Molecular consequence: frameshift variant.
Genome position (GRCh38, 1-based): chr11:47,337,455-47,337,459, GACGC deleted on the plus strand (GCGTC on the coding strand, the reverse complement: MYBPC3 is on the minus strand); deleting any 5 consecutive bases within chr11:47,337,455-47,337,460 gives the same sequence; the c. name uses the placement nearest the transcript's 3' end. VCF-style (leftmost placement, unchanged base first): chr11-47337454-AGACGC-A. GRCh37 (hg19) VCF-style: chr11-47359005-AGACGC-A.
Other names: c.2534_2538delGCGTC (NM_000256.3); c.2534_2538del, p.Arg845fs (LRG_386t1); short protein forms R845fs.
Identifiers: ClinVar variation 42635 (VCV000042635.11), dbSNP rs397515973, ClinGen allele CA012522.

ClinVar aggregate classification (germline): Pathogenic. Review status: criteria provided, multiple submitters, no conflicts (2 of 4 stars). 5 submissions from 5 submitters: Pathogenic (4). 1 of the submissions does not count toward it. Last evaluated 2022-08-06.

Conditions:
Cardiomyopathy (CMYO). Also called: Cardiomyopathies. Identifiers: Orphanet 167848, MedGen C0878544, MONDO:0004994, HP:0001638. Inheritance: Various modes of inheritance.
Hypertrophic cardiomyopathy 4. Also called: Familial hypertrophic cardiomyopathy 4. Identifiers: MedGen C1861862, MONDO:0007268, OMIM 115197.
Hypertrophic cardiomyopathy. Also called: HYPERTROPHIC MYOCARDIOPATHY. Identifiers: Orphanet 217569, MedGen C0007194, MeSH D002312, MONDO:0005045, HP:0001639.

Submissions (5):

Labcorp Genetics (formerly Invitae), Labcorp
Classification: Pathogenic for Hypertrophic cardiomyopathy. Last evaluated: 2022-08-06. Review status: criteria provided, single submitter. Criteria: Invitae Variant Classification Sherloc (09022015). Collection method: clinical testing. Allele origin: germline.
Comment: For these reasons, this variant has been classified as Pathogenic. ClinVar contains an entry for this variant (Variation ID: 42635). This variant is also known as c.2566_2570del. This premature translational stop signal has been observed in individual(s) with hypertrophic cardiomyopathy (PMID: 9048664, 27532257). This variant is not present in population databases (gnomAD no frequency). This sequence change creates a premature translational stop signal (p.Arg845Leufs*37) in the MYBPC3 gene. It is expected to result in an absent or disrupted protein product. Loss-of-function variants in MYBPC3 are known to be pathogenic (PMID: 19574547).

CHEO Genetics Diagnostic Laboratory, Children's Hospital of Eastern Ontario
Classification: Pathogenic for Cardiomyopathy. Last evaluated: 2022-03-11. Review status: criteria provided, single submitter. Criteria: ACMG Guidelines, 2015. Collection method: clinical testing. Allele origin: germline.

GeneDx
Classification: Pathogenic for Cardiomyopathy. Last evaluated: 2012-02-10. Review status: criteria provided, single submitter. Criteria: GeneDx Variant Classification (06012015). Collection method: clinical testing. Allele origin: germline. Affected: yes.
Comment: A deletion of 5 nucleotides in exon 25 of the MYBPC3 gene. The normal sequence with the bases that are deleted in braces is: ATGC{GCGTC}TACG. This mutation is denoted c.2534_2538delGCGTC at the cDNA level or at the protein level as p.Arg845LeufsX37. The c.2534_2538delGCGTC mutation in the MYBPC3 gene has been reported previously in one individual with HCM and it was not present in 200 control chromosomes (Richard P, 2003). The c.2534_2538delGCGTC mutation causes a shift in reading frame starting at codon Arginine 845, changing it to a Leucine, and creates a premature stop codon at position 37 of the new reading frame. This mutation is expected to result in an abnormal, truncated protein or in absence of protein from this allele due to mRNA decay. The variant is found in HCM panel(s).

Laboratory for Molecular Medicine, Mass General Brigham Personalized Medicine
Classification: Pathogenic for Hypertrophic cardiomyopathy. Last evaluated: 2011-09-21. Review status: criteria provided, single submitter. Criteria: LMM Criteria. Collection method: clinical testing. Allele origin: germline. Inheritance: Autosomal dominant inheritance. Observed: 2 variant alleles.
Comment: The Arg845fs variant has been reported in the literature in 1 family with HCM, w as absent from 400 control chromosomes, and segregated with disease in 5 affecte d family members (Carrier 1997, Richard 2003). In addition, this variant is pre dicted to cause a frameshift, which alters the protein's amino acid sequence beg inning at codon 845 and leads to a premature stop codon 37 amino acids downstrea m. This alteration is then predicted to lead to a truncated or absent protein. Loss of function is an established mechanism of disease for the MYBPC3 gene. Th erefore, the Arg845fs variant meets our criteria for pathogenicity (.) based on segregation, absence in controls, and impact of the variant.

OMIM
Classification: Pathogenic for CARDIOMYOPATHY, FAMILIAL HYPERTROPHIC, 4. Last evaluated: 1997-03-01. Review status: no assertion criteria provided. Collection method: literature only. Allele origin: germline. Not counted in ClinVar's aggregate classification.

Literature cited by the submitters: PubMed 9048664 (cited by 3 submitters); PubMed 27532257 (cited by Labcorp Genetics (formerly Invitae), Labcorp); PubMed 19574547 (cited by Labcorp Genetics (formerly Invitae), Labcorp); PubMed 12707239 (cited by Laboratory for Molecular Medicine, Mass General Brigham Personalized Medicine).